The following is an entry in ClinVar:

ClinVar aggregate classification (germline): Uncertain significance (1 of 4 stars; one submission).

Submission:

Labcorp Genetics (formerly Invitae), Labcorp
Classification: Uncertain significance. Last evaluated: 2022-05-18. Review status: criteria provided, single submitter. Criteria: Invitae Variant Classification Sherloc (09022015). Collection method: clinical testing. Allele origin: germline.
Comment: This sequence change replaces proline, which is neutral and non-polar, with arginine, which is basic and polar, at codon 192 of the RP1L1 protein (p.Pro192Arg). This variant is not present in population databases (gnomAD no frequency). This variant has not been reported in the literature in individuals affected with RP1L1-related conditions. Advanced modeling of protein sequence and biophysical properties (such as structural, functional, and spatial information, amino acid conservation, physicochemical variation, residue mobility, and thermodynamic stability) performed at Invitae indicates that this missense variant is expected to disrupt RP1L1 protein function. In summary, the available evidence is currently insufficient to determine the role of this variant in disease. Therefore, it has been classified as a Variant of Uncertain Significance.

NM_178857.6(RP1L1):c.575C>G (p.Pro192Arg)

Gene: RP1L1 (RP1 like 1). Cytogenetic location: 8p23.1.
Variant type: single nucleotide variant.
Coding change: c.575C>G on transcript NM_178857.6 (MANE Select); coding-DNA position 575, C replaced by G.
Protein change: p.Pro192Arg; replaces proline 192 with arginine.
Molecular consequence: missense variant.
Genome position (GRCh38, 1-based): chr8:10,622,627, G>C on the plus strand (C>G on the coding strand, the complement: RP1L1 is on the minus strand). VCF-style: chr8-10622627-G-C. GRCh37 (hg19) VCF-style: chr8-10480137-G-C.
Other names: short protein forms P192R.
Identifiers: ClinVar variation 1996199 (VCV001996199.4), dbSNP rs1798079116, ClinGen allele CA370299759.